The following is an entry in ClinVar:

NM_000128.4(F11):c.1843G>A (p.Val615Met)

Genes: F11 (coagulation factor XI; plus strand), F11-AS1 (F11 antisense RNA 1; minus strand). Cytogenetic location: 4q35.2.
Variant type: single nucleotide variant.
Coding change: c.1843G>A on transcript NM_000128.4 (MANE Select); coding-DNA position 1843, G replaced by A.
Protein change: p.Val615Met; replaces valine 615 with methionine.
Molecular consequence: missense variant. On other transcripts: non-coding transcript variant (1).
Genome position (GRCh38, 1-based): chr4:186,288,579, G>A. VCF-style: chr4-186288579-G-A. GRCh37 (hg19) VCF-style: chr4-187209733-G-A.
Other names: short protein forms V615M.
Identifiers: ClinVar variation 737971 (VCV000737971.21), dbSNP rs202061241, ClinGen allele CA3164142.

ClinVar aggregate classification (germline): Likely benign. Review status: criteria provided, multiple submitters, no conflicts (2 of 4 stars). 4 submissions from 4 submitters: Likely benign (3). 1 of the submissions does not count toward it. Last evaluated 2026-09-15.

Conditions:
Plasma factor XI deficiency.
F11-related disorder. Also called: F11-related condition.
Hereditary factor XI deficiency disease. Also called: Congenital factor XI deficiency; PLASMA THROMBOPLASTIN ANTECEDENT DEFICIENCY; PTA DEFICIENCY; ROSENTHAL SYNDROME. Identifiers: Orphanet 329, MedGen C0015523, MeSH D005173, MONDO:0012897, OMIM 612416.

Allele frequency attached by ClinVar (database versions not stated): gnomAD exomes 0.00019 and 0.00037; TOPMed 0.00019; ExAC 0.00035; 1000 Genomes Project 0.00060; 1000 Genomes Project 30x 0.00062; ESP Exome Variant Server 0.00008; gnomAD 0.00016 and 0.00017.
gnomAD v4.1: 301 of 1,614,154 alleles (0.019%); highest among the groups gnomAD compares: East Asian, 0.28%; no homozygotes.

Submissions (4):

PreventionGenetics, part of Exact Sciences
Classification: Likely benign for F11-related condition. Last evaluated: 2026-09-15. Review status: criteria provided, single submitter. Criteria: ACMG Guidelines, 2015. Collection method: clinical testing. Allele origin: germline.
Comment: This variant is classified as likely benign based on ACMG/AMP sequence variant interpretation guidelines (Richards et al. 2015 PMID: 25741868, with internal and published modifications).

Labcorp Genetics (formerly Invitae), Labcorp
Classification: Likely benign. Last evaluated: 2025-12-26. Review status: criteria provided, single submitter. Criteria: Invitae Variant Classification Sherloc (09022015). Collection method: clinical testing. Allele origin: germline.

Illumina Laboratory Services, Illumina
Classification: Likely benign for Hereditary factor XI deficiency disease. Last evaluated: 2018-01-13. Review status: criteria provided, single submitter. Criteria: ICSL Variant Classification Criteria 13 December 2019. Collection method: clinical testing. Allele origin: germline.
Comment: This variant was observed in the ICSL laboratory as part of a predisposition screen in an ostensibly healthy population. It had not been previously curated by ICSL or reported in the Human Gene Mutation Database (HGMD: prior to June 1st, 2018), and was therefore a candidate for classification through an automated scoring system. Utilizing variant allele frequency, disease prevalence and penetrance estimates, and inheritance mode, an automated score was calculated to assess if this variant is too frequent to cause the disease. Based on the score and internal cut-off values, a variant classified as likely benign is not then subjected to further curation. The score for this variant resulted in a classification of likely benign for this disease.

Natera, Inc.
Classification: Likely benign for Plasma factor XI deficiency. Last evaluated: 2020-04-20. Review status: no assertion criteria provided. Collection method: clinical testing. Allele origin: germline. Not counted in ClinVar's aggregate classification.